The following is an entry in ClinVar:

ClinVar aggregate classification (germline): Uncertain significance (1 of 4 stars; one submission).

Submission:

Labcorp Genetics (formerly Invitae), Labcorp
Classification: Uncertain significance. Last evaluated: 2022-12-02. Review status: criteria provided, single submitter. Criteria: Invitae Variant Classification Sherloc (09022015). Collection method: clinical testing. Allele origin: germline.
Comment: Experimental studies and prediction algorithms are not available or were not evaluated, and the functional significance of this variant is currently unknown. This variant, c.853_854insGGC, results in the insertion of 1 amino acid(s) of the RAI1 protein (p.Gln284_Gln285insArg), but otherwise preserves the integrity of the reading frame. This variant is not present in population databases (gnomAD no frequency). This variant has not been reported in the literature in individuals affected with RAI1-related conditions. In summary, the available evidence is currently insufficient to determine the role of this variant in disease. Therefore, it has been classified as a Variant of Uncertain Significance.

NM_030665.4(RAI1):c.853_854insGGC (p.Gln284_Gln285insArg)

Gene: RAI1 (retinoic acid induced 1; plus strand). Cytogenetic location: 17p11.2.
Variant type: Insertion.
Coding change: c.853_854insGGC on transcript NM_030665.4 (MANE Select); coding-DNA positions 853 to 854, GGC inserted.
Protein change: p.Gln284_Gln285insArg.
Molecular consequence: inframe insertion.
Genome position: GRCh38 VCF-style: chr17-17793799-A-AGCG. GRCh37 (hg19) VCF-style: chr17-17697113-A-AGCG.
Identifiers: ClinVar variation 2817824 (VCV002817824.3), dbSNP rs2508572080, ClinGen allele CA2739267246.
Genomic context (GRCh38, chr17:17,793,799, plus strand): 5'-AGAATCTTCATGCCTACCAGTCGGGCCGCCTCAGCTATGACCAGCAGCAGCAGCAGCAGC[A>AGCG]GCAGCAGCAGCAGCAGCAGCAAGCCCTTCAGAGCCGGCACCATGCCCAGGAAACCCTCCA-3'